The following is an entry in ClinVar:

NM_024915.4(GRHL2):c.1547G>A (p.Arg516Gln)

Genes: GRHL2 (grainyhead like transcription factor 2; plus strand), LOC126860461 (CDK7 strongly-dependent group 2 enhancer GRCh37_chr8:102655529-102656728; plus strand). Cytogenetic location: 8q22.3.
Variant type: single nucleotide variant.
Coding change: c.1547G>A on transcript NM_024915.4 (MANE Select); coding-DNA position 1547, G replaced by A.
Protein change: p.Arg516Gln; replaces arginine 516 with glutamine.
Molecular consequence: missense variant.
Genome position (GRCh38, 1-based): chr8:101,644,160, G>A. VCF-style: chr8-101644160-G-A. GRCh37 (hg19) VCF-style: chr8-102656388-G-A.
Other names: c.1499G>A, p.Arg500Gln (NM_001330593.2); short protein forms R500Q, R516Q.
Identifiers: ClinVar variation 1303545 (VCV001303545.2), dbSNP rs747234583, ClinGen allele CA4830619.

ClinVar aggregate classification (germline): Uncertain significance (1 of 4 stars; one submission).

Allele frequency attached by ClinVar (database versions not stated): gnomAD exomes 0.00001; gnomAD 0.00003; TOPMed 0.00003.
gnomAD v4.1: 21 of 1,614,134 alleles (0.0013%); highest among the groups gnomAD compares: East Asian, 0.0067%; no homozygotes.

Submission:

GeneDx
Classification: Uncertain significance. Last evaluated: 2019-09-13. Review status: criteria provided, single submitter. Criteria: GeneDx Variant Classification Process June 2021. Collection method: clinical testing. Allele origin: germline. Affected: yes.
Comment: Not observed in large population cohorts (Lek et al., 2016); In silico analysis, which includes protein predictors and evolutionary conservation, supports that this variant does not alter protein structure/function; Observed heterozygous in a patient in published literature with hearing loss who was also heterozygous for a variant in the COCH gene (Iwasa et al., 2016); This variant is associated with the following publications: (PMID: 27911912)